The following is an entry in ClinVar:

NM_004560.4(ROR2):c.2167G>C (p.Ala723Pro)

Gene: ROR2 (ROR family WNT receptor 2; minus strand). Cytogenetic location: 9q22.31.
Variant type: single nucleotide variant.
Coding change: c.2167G>C on transcript NM_004560.4 (MANE Select); coding-DNA position 2167, G replaced by C.
Protein change: p.Ala723Pro; replaces alanine 723 with proline.
Molecular consequence: missense variant.
Genome position (GRCh38, 1-based): chr9:91,724,327, C>G on the plus strand (G>C on the coding strand, the complement: ROR2 is on the minus strand). VCF-style: chr9-91724327-C-G. GRCh37 (hg19) VCF-style: chr9-94486609-C-G.
Other names: short protein forms A723P.
Identifiers: ClinVar variation 2281802 (VCV002281802.3), dbSNP rs1836922950, ClinGen allele CA373795680.

ClinVar aggregate classification (germline): Uncertain significance. Review status: criteria provided, multiple submitters, no conflicts (2 of 4 stars). 2 submissions from 2 submitters: Uncertain significance (2). Last evaluated 2024-12-23.

Conditions:
Inborn genetic diseases. Identifiers: MedGen C0950123, MeSH D030342.
ROR2-related disorder. Also called: ROR2-related disorders; ROR2-related condition.

Allele frequency attached by ClinVar (database versions not stated): TOPMed below 0.00001.

Submissions (2):

PreventionGenetics, part of Exact Sciences
Classification: Uncertain significance for ROR2-related condition. Last evaluated: 2024-12-23. Review status: criteria provided, single submitter. Criteria: ACMG Guidelines, 2015. Collection method: clinical testing. Allele origin: germline.
Comment: The ROR2 c.2167G>C variant is predicted to result in the amino acid substitution p.Ala723Pro. To our knowledge, this variant has not been reported in the literature or in a large population database (gnomAD), indicating this variant is rare. At this time, the clinical significance of this variant is uncertain due to the absence of conclusive functional and genetic evidence.

Ambry Genetics
Classification: Uncertain significance for Inborn genetic diseases. Last evaluated: 2022-04-07. Review status: criteria provided, single submitter. Criteria: Ambry Variant Classification Scheme 2023. Collection method: clinical testing. Allele origin: germline.